The following is an entry in ClinVar:

NM_005560.6(LAMA5):c.3516C>T (p.Ser1172=)

Gene: LAMA5 (laminin subunit alpha 5; minus strand). Cytogenetic location: 20q13.33.
Variant type: single nucleotide variant.
Coding change: c.3516C>T on transcript NM_005560.6 (MANE Select); coding-DNA position 3516, C replaced by T.
Protein change: p.Ser1172=; no amino-acid change (serine 1172 retained).
Molecular consequence: synonymous variant.
Genome position (GRCh38, 1-based): chr20:62,332,408, G>A on the plus strand (C>T on the coding strand, the complement: LAMA5 is on the minus strand). VCF-style: chr20-62332408-G-A. GRCh37 (hg19) VCF-style: chr20-60907464-G-A.
Other names: c.3516C>T (NM_005560.4).
Identifiers: ClinVar variation 2069564 (VCV002069564.6), dbSNP rs150162199, ClinGen allele CA9942975.
Genomic context (GRCh38, chr20:62,332,408, plus strand): 5'-GGTGGGGACCTGAGGGGTCCTTACCAGGAAGAAGCGTGCCTGTTCGGCTGTGAGCCTCAC[G>A]CTGGCCTCCGAGTCCAGGTGGAAGACAGCCAGGTGGTCCTGGGTATCCCGGGCAGTGCCC-3'
Protein context (NP_005551.3, residues 1162-1182): LAVFHLDSEA[Ser1172=]VRLTAEQARF

ClinVar aggregate classification (germline): Likely benign. Review status: criteria provided, single submitter (1 of 4 stars). 2 submissions from 2 submitters: Likely benign (1). 1 of the submissions does not count toward it. Last evaluated 2025-09-15.

Conditions:
LAMA5-related disorder. Also called: LAMA5-Related Disorders; LAMA5-related condition.

Allele frequency attached by ClinVar (database versions not stated): gnomAD exomes 0.00007; ESP Exome Variant Server 0.00008; ExAC 0.00011; TOPMed 0.00035; gnomAD 0.00038.
gnomAD v4.1: 162 of 1,612,612 alleles (0.01%); highest among the groups gnomAD compares: African/African-American, 0.1%; 1 homozygote.

Submissions (2):

Labcorp Genetics (formerly Invitae), Labcorp
Classification: Likely benign. Last evaluated: 2025-09-15. Review status: criteria provided, single submitter. Criteria: Invitae Variant Classification Sherloc (09022015). Collection method: clinical testing. Allele origin: germline.

PreventionGenetics, part of Exact Sciences
Classification: Likely benign for LAMA5-related condition. Last evaluated: 2019-08-09. Review status: no assertion criteria provided. Collection method: clinical testing. Allele origin: germline. Not counted in ClinVar's aggregate classification.
Comment: This variant is classified as likely benign based on ACMG/AMP sequence variant interpretation guidelines (Richards et al. 2015 PMID: 25741868, with internal and published modifications).